The following is an entry in ClinVar:

NM_139318.5(KCNH5):c.2510T>C (p.Met837Thr)

Gene: KCNH5 (potassium voltage-gated channel subfamily H member 5; minus strand). Cytogenetic location: 14q23.2.
Variant type: single nucleotide variant.
Coding change: c.2510T>C on transcript NM_139318.5 (MANE Select); coding-DNA position 2510, T replaced by C.
Protein change: p.Met837Thr; replaces methionine 837 with threonine.
Molecular consequence: missense variant. On other transcripts: 3 prime UTR variant (1).
Genome position (GRCh38, 1-based): chr14:62,707,965, A>G on the plus strand (T>C on the coding strand, the complement: KCNH5 is on the minus strand). VCF-style: chr14-62707965-A-G. GRCh37 (hg19) VCF-style: chr14-63174683-A-G.
Other names: c.*477T>C (NM_172375.3); short protein forms M837T.
Identifiers: ClinVar variation 1714872 (VCV001714872.5), dbSNP rs2502653478, ClinGen allele CA390100446.

ClinVar aggregate classification (germline): Uncertain significance (1 of 4 stars; one submission).

Conditions:
Early-infantile DEE. Also called: Early infantile epileptic encephalopathy with suppression bursts; Early infantile epileptic encephalopathy; Ohtahara syndrome. Identifiers: Orphanet 1934, MedGen C0393706, MONDO:0800491.

Allele frequency attached by ClinVar (database versions not stated): gnomAD exomes below 0.00001.
gnomAD v4.1: 1 of 1,614,176 alleles (0.000062%); highest among the groups gnomAD compares: African/African-American, 0.0013%; no homozygotes.

Submission:

Labcorp Genetics (formerly Invitae), Labcorp
Classification: Uncertain significance for Early-infantile DEE. Last evaluated: 2022-08-03. Review status: criteria provided, single submitter. Criteria: Invitae Variant Classification Sherloc (09022015). Collection method: clinical testing. Allele origin: germline.
Comment: In summary, the available evidence is currently insufficient to determine the role of this variant in disease. Therefore, it has been classified as a Variant of Uncertain Significance. Advanced modeling of protein sequence and biophysical properties (such as structural, functional, and spatial information, amino acid conservation, physicochemical variation, residue mobility, and thermodynamic stability) performed at Invitae indicates that this missense variant is not expected to disrupt KCNH5 protein function. This variant has not been reported in the literature in individuals affected with KCNH5-related conditions. This variant is not present in population databases (gnomAD no frequency). This sequence change replaces methionine, which is neutral and non-polar, with threonine, which is neutral and polar, at codon 837 of the KCNH5 protein (p.Met837Thr).